The following is an entry in ClinVar:

NM_003801.4(GPAA1):c.619del (p.Met207fs)

Gene: GPAA1 (glycosylphosphatidylinositol anchor attachment 1; plus strand). Cytogenetic location: 8q24.3.
Variant type: Deletion.
Coding change: c.619del on transcript NM_003801.4 (MANE Select); coding-DNA position 619, one base deleted (A; older notation c.619delA).
Protein change: p.Met207fs; shifts the reading frame from methionine 207.
Molecular consequence: frameshift variant.
Genome position (GRCh38, 1-based): chr8:144,084,136, A deleted. VCF-style (leftmost placement, unchanged base first): chr8-144084135-CA-C. GRCh37 (hg19) VCF-style: chr8-145139038-CA-C.
Other names: c.619delA (NM_003801.3); short protein forms M207fs.
Identifiers: ClinVar variation 523980 (VCV000523980.15), dbSNP rs782615259, ClinGen allele CA4932889.

ClinVar aggregate classification (germline): Pathogenic. Review status: criteria provided, multiple submitters, no conflicts (2 of 4 stars). 6 submissions from 6 submitters: Pathogenic (5). 1 of the submissions does not count toward it. Last evaluated 2026-07-08.

Conditions:
Inborn genetic diseases. Identifiers: MedGen C0950123, MeSH D030342.
GPAA1-related disorder. Also called: GPAA1-related condition.
Glycosylphosphatidylinositol biosynthesis defect 15. Also called: DEVELOPMENTAL DELAY, EPILEPSY, CEREBELLAR ATROPHY, AND OSTEOPENIA. Identifiers: Orphanet 529665, MedGen C4540520, MONDO:0060627, OMIM 617810.

Allele frequency attached by ClinVar (database versions not stated): gnomAD 0.00001; TOPMed 0.00001; ExAC 0.00002; gnomAD exomes 0.00002.

Submissions (6):

Ambry Genetics
Classification: Pathogenic for Inborn genetic diseases. Last evaluated: 2026-07-08. Review status: criteria provided, single submitter. Criteria: Ambry Variant Classification Scheme 2023. Collection method: clinical testing. Allele origin: germline.
Comment: The c.619delA (p.M207Cfs*21) alteration, located in exon 6 (coding exon 6) of the GPAA1 gene, consists of a deletion of one nucleotide at position 619, causing a translational frameshift with a predicted alternate stop codon after 21 amino acids. This variant is expected to result in loss of function by premature protein truncation or nonsense-mediated mRNA decay. Based on data from gnomAD, this allele has an overall frequency of 0.002% (5/249228) total alleles studied. The highest observed frequency was 0.004% (4/113010) of European (non-Finnish) alleles. This variant has been identified in the homozygous state and/or in conjunction with other GPAA1 variant(s) in individual(s) with features consistent with GPAA1-related glycosylphosphatidylinositol biosynthesis defect; in at least one instance, the variants were identified in trans (Castle, 2021). Based on the available evidence, this alteration is classified as pathogenic.

Dasa
Classification: Pathogenic. Last evaluated: 2026-01-12. Review status: criteria provided, single submitter. Criteria: DASA Assertion Criteria. Collection method: clinical testing. Allele origin: germline.
Comment: NM_003801.4(GPAA1):c.619del (p.Met207Cysfs*21) introduces a premature termination codon predicted to result in loss of normal protein function. Loss-of-function is an established mechanism of disease for this gene. This variant has been reported in individuals with related phenotype (PMID: 34703884). The variant is present at low frequency in population datasets. Based on the available data, this variant is classified as pathogenic.

Labcorp Genetics (formerly Invitae), Labcorp
Classification: Pathogenic. Last evaluated: 2025-12-14. Review status: criteria provided, single submitter. Criteria: Invitae Variant Classification Sherloc (09022015). Collection method: clinical testing. Allele origin: germline.
Comment: This sequence change creates a premature translational stop signal (p.Met207Cysfs*21) in the GPAA1 gene. It is expected to result in an absent or disrupted protein product. Loss-of-function variants in GPAA1 are known to be pathogenic (PMID: 29100095). This variant is present in population databases (rs782615259, gnomAD 0.006%). This premature translational stop signal has been observed in individual(s) with congenital disorder of glycosylation (GPAA1-CDG) (PMID: 34703884). ClinVar contains an entry for this variant (Variation ID: 523980). For these reasons, this variant has been classified as Pathogenic.

GeneDx
Classification: Pathogenic. Last evaluated: 2023-04-06. Review status: criteria provided, single submitter. Criteria: GeneDx Variant Classification Process June 2021. Collection method: clinical testing. Allele origin: germline. Affected: yes.
Comment: Observed with a pathogenic variant on the opposite allele (in trans) in a patient with GPAA1-related GPI biosynthesis disorder in the published literature (Castle et al., 2021); Frameshift variant predicted to result in protein truncation or nonsense mediated decay in a gene for which loss-of-function is a known mechanism of disease; Not observed at a significant frequency in large population cohorts (gnomAD); This variant is associated with the following publications: (PMID: 34703884)

Victorian Clinical Genetics Services, Murdoch Childrens Research Institute
Classification: Pathogenic for Glycosylphosphatidylinositol biosynthesis defect 15. Last evaluated: 2020-05-26. Review status: criteria provided, single submitter. Criteria: ACMG Guidelines, 2015. Collection method: clinical testing. Allele origin: germline. Inheritance: Autosomal recessive inheritance. Affected: yes.
Comment: Based on the classification scheme VCGS_Germline_v1.1.1, this variant is classified as Pathogenic. Following criteria are met: 0102 - Loss-of-function is a known mechanism of disease for this gene (PMID: 29100095). (N) 0106 - This gene is known to be associated with autosomal recessive disease. (N) 0201 - Variant is predicted to cause nonsense-mediated decay (NMD) and loss of protein (exon 6 of 12). (P) 0251 - Variant is heterozygous. (N) 0304 - Variant is present in gnomAD <0.01 for a recessive condition (5 heterozygotes, 0 homozygotes). (P) 0703 - Comparable variants have moderate previous evidence for pathogenicity. Other variants predicted to cause NMD have been reported as pathogenic in individuals with glycosylphosphatidylinositol biosynthesis defect (ClinVar, Decipher, PMID: 29100095). (P) 0803 - Low previous evidence of pathogenicity in unrelated individuals. The variant has been previously reported by a clinical laboratory (ClinVar). (P) 0905 - No segregation evidence has been identified for this variant. (N) 1007 - No published functional evidence has been identified for this variant. (N) 1208 - Inheritance information for this variant is not currently available. (N) Legend: (P) - Pathogenic, (N) - Neutral, (B) - Benign

PreventionGenetics, part of Exact Sciences
Classification: Likely pathogenic for GPAA1-related condition. Last evaluated: 2024-09-24. Review status: no assertion criteria provided. Collection method: clinical testing. Allele origin: germline. Not counted in ClinVar's aggregate classification.
Comment: The GPAA1 c.619delA variant is predicted to result in a frameshift and premature protein termination (p.Met207Cysfs*21). This variant was reported in an individual with autosomal recessive glycosylphosphatidylinositol biosynthesis defect 15 (Castle et al. 2021. PubMed ID: 34703884). This variant is reported in 0.0035% of alleles in individuals of European (Non-Finnish) descent in gnomAD. Frameshift variants in GPAA1 are expected to be pathogenic. This variant is interpreted as likely pathogenic.

Literature cited by the submitters: PubMed 34703884 (cited by 3 submitters); PubMed 29100095 (cited by Labcorp Genetics (formerly Invitae), Labcorp and Victorian Clinical Genetics Services, Murdoch Childrens Research Institute).